The following is an entry in ClinVar:

ClinVar aggregate classification (germline): Benign/Likely benign. Review status: criteria provided, multiple submitters, no conflicts (2 of 4 stars). 4 submissions from 4 submitters: Benign (1); Likely benign (2). 1 of the submissions does not count toward it. Last evaluated 2024-11-13.

Conditions:
RP1L1-related disorder. Also called: RP1L1-related condition.
Occult macular dystrophy (OCMD). Also called: OMD; OCCULT MACULAR DYSTROPHY, SUSCEPTIBILITY TO. Identifiers: Orphanet 247834, MedGen C3150833, MONDO:0013316, OMIM 613587, HP:0030636.
Inborn genetic diseases. Identifiers: MedGen C0950123, MeSH D030342.

Allele frequency attached by ClinVar (database versions not stated): ESP Exome Variant Server 0.00008; TOPMed 0.00009; ExAC 0.00012; gnomAD 0.00015; 1000 Genomes Project 30x 0.00016; 1000 Genomes Project 0.00020.
gnomAD v4.1: 198 of 1,613,992 alleles (0.012%); highest among the groups gnomAD compares: Middle Eastern, 0.049%; no homozygotes.

Submissions (4):

Blueprint Genetics
Classification: Likely benign. Last evaluated: 2024-11-13. Review status: criteria provided, single submitter. Criteria: ACMG Guidelines, 2015. Collection method: clinical testing. Allele origin: germline.

Ambry Genetics
Classification: Likely benign for Inborn genetic diseases. Last evaluated: 2022-12-16. Review status: criteria provided, single submitter. Criteria: Ambry Variant Classification Scheme 2023. Collection method: clinical testing. Allele origin: germline.

Illumina Laboratory Services, Illumina
Classification: Benign for Occult macular dystrophy. Last evaluated: 2018-01-13. Review status: criteria provided, single submitter. Criteria: ICSL Variant Classification Criteria 13 December 2019. Collection method: clinical testing. Allele origin: germline.
Comment: This variant was observed in the ICSL laboratory as part of a predisposition screen in an ostensibly healthy population. It had not been previously curated by ICSL or reported in the Human Gene Mutation Database (HGMD: prior to June 1st, 2018), and was therefore a candidate for classification through an automated scoring system. Utilizing variant allele frequency, disease prevalence and penetrance estimates, and inheritance mode, an automated score was calculated to assess if this variant is too frequent to cause the disease. Based on the score and internal cut-off values, a variant classified as benign is not then subjected to further curation. The score for this variant resulted in a classification of benign for this disease.

PreventionGenetics, part of Exact Sciences
Classification: Uncertain significance for RP1L1-related condition. Last evaluated: 2024-09-04. Review status: no assertion criteria provided. Collection method: clinical testing. Allele origin: germline. Not counted in ClinVar's aggregate classification.
Comment: The RP1L1 c.3691C>T variant is predicted to result in the amino acid substitution p.Pro1231Ser. To our knowledge, this variant has not been reported in the literature. This variant is reported in 0.048% of alleles in individuals of Ashkenazi Jewish descent in gnomAD. At this time, the clinical significance of this variant is uncertain due to the absence of conclusive functional and genetic evidence.

NM_178857.6(RP1L1):c.3691C>T (p.Pro1231Ser)

Gene: RP1L1 (RP1 like 1). Cytogenetic location: 8p23.1.
Variant type: single nucleotide variant.
Coding change: c.3691C>T on transcript NM_178857.6 (MANE Select); coding-DNA position 3691, C replaced by T.
Protein change: p.Pro1231Ser; replaces proline 1231 with serine.
Molecular consequence: missense variant.
Genome position (GRCh38, 1-based): chr8:10,610,407, G>A on the plus strand (C>T on the coding strand, the complement: RP1L1 is on the minus strand). VCF-style: chr8-10610407-G-A. GRCh37 (hg19) VCF-style: chr8-10467917-G-A.
Other names: short protein forms P1231S.
Identifiers: ClinVar variation 361304 (VCV000361304.9), dbSNP rs201440296, ClinGen allele CA4624399.